The following is an entry in ClinVar:

NM_000824.5(GLRB):c.1111G>A (p.Glu371Lys)

Gene: GLRB (glycine receptor beta; plus strand). Cytogenetic location: 4q32.1.
Variant type: single nucleotide variant.
Coding change: c.1111G>A on transcript NM_000824.5 (MANE Select); coding-DNA position 1111, G replaced by A.
Protein change: p.Glu371Lys; replaces glutamic acid 371 with lysine.
Molecular consequence: missense variant. On other transcripts: intron variant (1).
Genome position (GRCh38, 1-based): chr4:157,152,924, G>A. VCF-style: chr4-157152924-G-A. GRCh37 (hg19) VCF-style: chr4-158074076-G-A.
Other names: c.1111G>A, p.Glu371Lys (NM_001166060.2); c.904+8965G>A (NM_001166061.2); short protein forms E371K.
Identifiers: ClinVar variation 2815414 (VCV002815414.3), dbSNP rs1355064370, ClinGen allele CA358644640.

ClinVar aggregate classification (germline): Uncertain significance (1 of 4 stars; one submission).

Conditions:
Hyperekplexia 2 (HKPX2). Identifiers: Orphanet 3197, MedGen C3553291, MONDO:0013828, OMIM 614619.

Allele frequency attached by ClinVar (database versions not stated): TOPMed below 0.00001; gnomAD 0.00001.
gnomAD v4.1: 1 of 1,613,840 alleles (0.000062%); highest among the groups gnomAD compares: Non-Finnish European, 0.000085%; no homozygotes.

Submission:

Labcorp Genetics (formerly Invitae), Labcorp
Classification: Uncertain significance for Hyperekplexia 2. Last evaluated: 2023-04-10. Review status: criteria provided, single submitter. Criteria: Invitae Variant Classification Sherloc (09022015). Collection method: clinical testing. Allele origin: germline.
Comment: This sequence change replaces glutamic acid, which is acidic and polar, with lysine, which is basic and polar, at codon 371 of the GLRB protein (p.Glu371Lys). In summary, the available evidence is currently insufficient to determine the role of this variant in disease. Therefore, it has been classified as a Variant of Uncertain Significance. Advanced modeling of protein sequence and biophysical properties (such as structural, functional, and spatial information, amino acid conservation, physicochemical variation, residue mobility, and thermodynamic stability) performed at Invitae indicates that this missense variant is not expected to disrupt GLRB protein function. This variant has not been reported in the literature in individuals affected with GLRB-related conditions. This variant is present in population databases (no rsID available, gnomAD 0.007%).